The following is an entry in ClinVar:

ClinVar aggregate classification (germline): Pathogenic. Review status: reviewed by expert panel (3 of 4 stars). 4 submissions from 4 submitters: Pathogenic (1). 3 of the submissions do not count toward it. Last evaluated 2017-03-17.

Conditions:
CFTR-related disorder (CFTR-RD). Also called: CFTR-related condition; CFTR-related disorders. Identifiers: MedGen C5924204, MONDO:7770004.
Bronchiectasis with or without elevated sweat chloride 1 (BESC1). Also called: Cystic Fibrosis-Like Syndrome. Identifiers: Orphanet 60033, MedGen C2749757, MONDO:0008887, OMIM 211400.
Cystic fibrosis (CF). Also called: MUCOVISCIDOSIS. Identifiers: Orphanet 586, MedGen C0010674, MONDO:0009061, OMIM 219700. Disease mechanism: loss of function.

Submissions (4):

CFTR2
Classification: Pathogenic for Cystic fibrosis. Last evaluated: 2017-03-17. Review status: reviewed by expert panel. Criteria: Sosnay PR et al. (Nat Genet 2013). Collection method: research. Allele origin: germline. Affected: yes. Study: CFTR2.

Natera, Inc.
Classification: Pathogenic for CFTR-related disorders. Last evaluated: 2025-08-05. Review status: criteria provided, single submitter. Criteria: Natera Variant Classification Schema (03/2026). Collection method: clinical testing. Allele origin: germline. Not counted in ClinVar's aggregate classification.
Comment: The c.1650delA variant in CFTR is a frameshift variant predicted to shift the reading frame beginning at codon 551 and leads to a stop codon 8 codons downstream. This variant is expected to result in nonsense mediated decay, truncation, or a dysfunctional protein product. This variant is rare in the general population with a frequency below the threshold expected for the associated phenotype(s). This variant has been observed in one or more individuals affected with the associated recessive disease, as either homozygous or compound heterozygous with a second variant (PMID: 27488443, 15994263). Given the available evidence, this variant is classified as Pathogenic.

Baylor Genetics
Classification: Pathogenic for Bronchiectasis with or without elevated sweat chloride 1. Last evaluated: 2023-12-20. Review status: criteria provided, single submitter. Criteria: ACMG Guidelines, 2015. Collection method: clinical testing. Allele origin: unknown. Not counted in ClinVar's aggregate classification.

CFTR-France
Classification: Pathogenic for cystic fibrosis. Last evaluated: 2018-03-26. Review status: criteria provided, single submitter. Criteria: Claustres M et al. (Hum Mutat 2017). Collection method: curation. Allele origin: germline. Affected: yes. Not counted in ClinVar's aggregate classification.

Literature cited by the submitters: PubMed 27488443 (cited by Natera, Inc.); PubMed 15994263 (cited by Natera, Inc.).

NM_000492.4(CFTR):c.1650del (p.Gly551fs)

Genes: CFTR (CF transmembrane conductance regulator; plus strand), LOC111674475 (CFTR intron 11 enhancer; plus strand). Cytogenetic location: 7q31.2.
Variant type: Deletion.
Coding change: c.1650del on transcript NM_000492.4 (MANE Select); coding-DNA position 1650, one base deleted (A; older notation c.1650delA).
Protein change: p.Gly551fs; shifts the reading frame from glycine 551.
Molecular consequence: frameshift variant.
Genome position (GRCh38, 1-based): chr7:117,587,804, A deleted. VCF-style (leftmost placement, unchanged base first): chr7-117587803-GA-G. GRCh37 (hg19) VCF-style: chr7-117227857-GA-G.
Other names: 1782delA; c.1650delA (NM_000492.3); short protein forms G551fs.
Identifiers: ClinVar variation 53319 (VCV000053319.5), dbSNP rs397508251, ClinGen allele CA326580.